The following is an entry in ClinVar:

ClinVar aggregate classification (germline): Conflicting classifications of pathogenicity. Review status: criteria provided, conflicting classifications (1 of 4 stars). 5 submissions from 5 submitters: Uncertain significance (2); Likely benign (2). 1 of the submissions does not count toward it. Last evaluated 2026-01-12.

Conditions:
SLC25A13-related disorder. Also called: SLC25A13-related condition.
Citrin deficiency. Identifiers: Orphanet 247582, MedGen C1997910, MONDO:0016602.

Allele frequency attached by ClinVar (database versions not stated): gnomAD 0.00001 and 0.00002; gnomAD exomes 0.00004 and 0.00010; ExAC 0.00006; TOPMed 0.00010.
gnomAD v4.1: 59 of 1,613,878 alleles (0.0037%); highest among the groups gnomAD compares: Admixed American, 0.04%; no homozygotes.

Submissions (5):

Labcorp Genetics (formerly Invitae), Labcorp
Classification: Likely benign for Citrin deficiency. Last evaluated: 2026-01-12. Review status: criteria provided, single submitter. Criteria: Invitae Variant Classification Sherloc (09022015). Collection method: clinical testing. Allele origin: germline.

Revvity Omics, Revvity
Classification: Uncertain significance. Last evaluated: 2020-08-12. Review status: criteria provided, single submitter. Criteria: ACMG Guidelines, 2015. Collection method: clinical testing. Allele origin: germline.

Eurofins Ntd Llc (ga)
Classification: Uncertain significance. Last evaluated: 2018-05-15. Review status: criteria provided, single submitter. Criteria: EGL ClinVar v180209 classification definitions. Collection method: clinical testing. Allele origin: germline. Observed: 3 variant alleles, 3 heterozygotes.

GeneDx
Classification: Likely benign. Last evaluated: 2016-05-05. Review status: criteria provided, single submitter. Criteria: GeneDx Variant Classification (06012015). Collection method: clinical testing. Allele origin: germline. Affected: yes.
Comment: This variant is considered likely benign or benign based on one or more of the following criteria: it is a conservative change, it occurs at a poorly conserved position in the protein, it is predicted to be benign by multiple in silico algorithms, and/or has population frequency not consistent with disease.

PreventionGenetics, part of Exact Sciences
Classification: Likely benign for SLC25A13-related condition. Last evaluated: 2021-05-10. Review status: no assertion criteria provided. Collection method: clinical testing. Allele origin: germline. Not counted in ClinVar's aggregate classification.
Comment: This variant is classified as likely benign based on ACMG/AMP sequence variant interpretation guidelines (Richards et al. 2015 PMID: 25741868, with internal and published modifications).

NM_014251.3(SLC25A13):c.1236C>T (p.Asn412=)

Gene: SLC25A13 (solute carrier family 25 member 13; minus strand). Cytogenetic location: 7q21.3.
Variant type: single nucleotide variant.
Coding change: c.1236C>T on transcript NM_014251.3 (MANE Select); coding-DNA position 1236, C replaced by T.
Protein change: p.Asn412=; no amino-acid change (asparagine 412 retained).
Molecular consequence: synonymous variant. On other transcripts: non-coding transcript variant (1).
Genome position (GRCh38, 1-based): chr7:96,170,120, G>A on the plus strand (C>T on the coding strand, the complement: SLC25A13 is on the minus strand). VCF-style: chr7-96170120-G-A. GRCh37 (hg19) VCF-style: chr7-95799432-G-A.
Other names: c.1239C>T, p.Asn413= (NM_001160210.2).
Identifiers: ClinVar variation 385583 (VCV000385583.20), dbSNP rs747257110, ClinGen allele CA4352982.
Genomic context (GRCh38, chr7:96,170,120, plus strand): 5'-AATTTCTGCTGCAAGTGGGACCGAACCATCTTTGTGCATAAATTTATCCCTCACAAAATC[G>A]TTCACCTTGAAGAAAAATATTTATAGAAGCTGATGAAAAATATAAAGAAAGTCATTAAAC-3'
Protein context (NP_055066.1, residues 402-422): APEKAIKLTV[Asn412=]DFVRDKFMHK